The following is an entry in ClinVar:

NM_000108.5(DLD):c.707_715del (p.Gly236_Asp238del)

Gene: DLD (dihydrolipoamide dehydrogenase; plus strand). Cytogenetic location: 7q31.1.
Variant type: Deletion.
Coding change: c.707_715del on transcript NM_000108.5 (MANE Select); coding-DNA positions 707 to 715, 9 bases deleted (GTGCAGATG; older notation c.707_715delGTGCAGATG).
Protein change: p.Gly236_Asp238del.
Molecular consequence: inframe deletion.
Genome position (GRCh38, 1-based): chr7:107,915,528-107,915,536, GTGCAGATG deleted; deleting any 9 consecutive bases within chr7:107,915,526-107,915,536 gives the same sequence; the c. name uses the placement nearest the transcript's 3' end. VCF-style (leftmost placement, unchanged base first): chr7-107915525-TTGGTGCAGA-T. GRCh37 (hg19) VCF-style: chr7-107555970-TTGGTGCAGA-T.
Other names: c.410_418del, p.Gly137_Asp139del (NM_001289750.1); c.638_646del, p.Gly213_Asp215del (NM_001289751.1); c.563_571del, p.Gly188_Asp190del (NM_001289752.1).
Identifiers: ClinVar variation 5004270 (VCV005004270.1).

ClinVar aggregate classification (germline): Uncertain significance (1 of 4 stars; one submission).

Conditions:
Pyruvate dehydrogenase E3 deficiency (DLDD). Also called: Dihydrolipoamide Dehydrogenase Deficiency; DLD DEFICIENCY; E3 DEFICIENCY; Dihydrolipoamide Dehydrogenase E3 Deficiency; Dihydrolipoamide Dehydrogenase (E3) Deficiency; Lipoamide dehydrogenase deficiency, lactic acidosis due to. Identifiers: Orphanet 2394, Orphanet 765, MedGen C5574660, MONDO:0009529, OMIM 246900.

Submission:

Myriad Genetics, Inc.
Classification: Uncertain significance for Pyruvate dehydrogenase E3 deficiency. Last evaluated: 2025-11-11. Review status: criteria provided, single submitter. Criteria: Myriad Autosomal Dominant, Autosomal Recessive and X-Linked Classification Criteria (2023). Collection method: clinical testing. Allele origin: unknown.
Comment: NM_000108.3(DLD):c.707_715del9(G236_D238del) is an in-frame deletion classified as a variant of uncertain significance in the context of dihydrolipoamide dehydrogenase deficiency. G236_D238del has not been observed in cases with relevant disease. Relevant functional assessments of this variant are not available in the literature. G236_D238del has not been observed in referenced population frequency databases. In summary, there is insufficient evidence to classify NM_000108.3(DLD):c.707_715del9(G236_D238del) as pathogenic or benign. Please note: this variant was assessed in the context of healthy population screening.